The following is an entry in ClinVar:

ClinVar aggregate classification (germline): Uncertain significance. Review status: criteria provided, multiple submitters, no conflicts (2 of 4 stars). 4 submissions from 4 submitters: Uncertain significance (4). Last evaluated 2025-09-17.

Conditions:
Dilated cardiomyopathy 1AA (CMD1AA). Also called: Cardiomyopathy, dilated, 1AA, with or without LVNC; CARDIOMYOPATHY, DILATED, 1AA, WITH OR WITHOUT LEFT VENTRICULAR NONCOMPACTION; CARDIOMYOPATHY, FAMILIAL HYPERTROPHIC, 23, WITH OR WITHOUT LEFT VENTRICULAR NONCOMPACTION. Identifiers: Orphanet 154, MedGen C2677338, MONDO:0012808, OMIM 612158.
Myopathy, distal, 6, adult-onset, autosomal dominant. Identifiers: MedGen C5203349, MONDO:0032853, OMIM 618655.
Myopathy, congenital, with structured cores and z-line abnormalities. Also called: MULTIPLE STRUCTURED CORE DISEASE; CONGENITAL MYOPATHY 8. Identifiers: MedGen C5231445, MONDO:0032852, OMIM 618654.
Cardiovascular phenotype. Identifiers: MedGen CN230736.
Primary familial hypertrophic cardiomyopathy (HCM). Identifiers: Orphanet 99739, MedGen C0949658, MeSH D024741, MONDO:0024573. Inheritance: Various modes of inheritance.

Allele frequency attached by ClinVar (database versions not stated): ExAC 0.00001; gnomAD 0.00001; gnomAD exomes 0.00001 and 0.00002; TOPMed 0.00001; 1000 Genomes Project 30x 0.00016; 1000 Genomes Project 0.00020.
gnomAD v4.1: 25 of 1,614,120 alleles (0.0015%); highest among the groups gnomAD compares: Middle Eastern, 0.016%; no homozygotes.

Submissions (4):

Ambry Genetics
Classification: Uncertain significance for Cardiovascular phenotype. Last evaluated: 2025-09-17. Review status: criteria provided, single submitter. Criteria: Ambry Variant Classification Scheme 2023. Collection method: clinical testing. Allele origin: germline.
Comment: The p.A259V variant (also known as c.776C>T), located in coding exon 8 of the ACTN2 gene, results from a C to T substitution at nucleotide position 776. The alanine at codon 259 is replaced by valine, an amino acid with similar properties. This alteration has been reported in association with cardiomyopathy (Ware SM et al. Am J Hum Genet, 2022 Feb;109:282-298; Akinrinade O et al. J Cardiovasc Transl Res, 2023 Jul;:). This amino acid position is highly conserved in available vertebrate species. In addition, the in silico prediction for this alteration is inconclusive. Since supporting evidence is limited at this time, the clinical significance of this alteration remains unclear.

Labcorp Genetics (formerly Invitae), Labcorp
Classification: Uncertain significance for Primary familial hypertrophic cardiomyopathy; Dilated cardiomyopathy 1AA. Last evaluated: 2025-01-16. Review status: criteria provided, single submitter. Criteria: Invitae Variant Classification Sherloc (09022015). Collection method: clinical testing. Allele origin: germline.
Comment: This sequence change replaces alanine, which is neutral and non-polar, with valine, which is neutral and non-polar, at codon 259 of the ACTN2 protein (p.Ala259Val). This variant is present in population databases (rs566552494, gnomAD 0.003%). This variant has not been reported in the literature in individuals affected with ACTN2-related conditions. ClinVar contains an entry for this variant (Variation ID: 463217). Invitae Evidence Modeling of protein sequence and biophysical properties (such as structural, functional, and spatial information, amino acid conservation, physicochemical variation, residue mobility, and thermodynamic stability) indicates that this missense variant is not expected to disrupt ACTN2 protein function with a negative predictive value of 80%. In summary, the available evidence is currently insufficient to determine the role of this variant in disease. Therefore, it has been classified as a Variant of Uncertain Significance.

Fulgent Genetics
Classification: Uncertain significance for Dilated cardiomyopathy 1AA; Myopathy, congenital, with structured cores and z-line abnormalities; Myopathy, distal, 6, adult-onset, autosomal dominant. Last evaluated: 2021-10-01. Review status: criteria provided, single submitter. Criteria: ACMG Guidelines, 2015. Collection method: clinical testing. Allele origin: unknown.

GeneDx
Classification: Uncertain significance. Last evaluated: 2021-06-28. Review status: criteria provided, single submitter. Criteria: GeneDx Variant Classification Process June 2021. Collection method: clinical testing. Allele origin: germline. Affected: yes.
Comment: Has not been previously published as pathogenic or benign to our knowledge; Reported in ClinVar as a variant of uncertain significance (ClinVar Variant ID# 463217; Landrum et al., 2016); Not observed at significant frequency in large population cohorts (Lek et al., 2016); In silico analysis supports that this missense variant has a deleterious effect on protein structure/function; This variant is associated with the following publications: (PMID: 26582918, 27535533)

Literature cited by the submitters: PubMed 35026164 (cited by Ambry Genetics); PubMed 37477868 (cited by Ambry Genetics).

NM_001103.4(ACTN2):c.776C>T (p.Ala259Val)

Gene: ACTN2 (actinin alpha 2; plus strand). Cytogenetic location: 1q43.
Variant type: single nucleotide variant.
Coding change: c.776C>T on transcript NM_001103.4 (MANE Select); coding-DNA position 776, C replaced by T.
Protein change: p.Ala259Val; replaces alanine 259 with valine.
Molecular consequence: missense variant. On other transcripts: intron variant (1).
Genome position (GRCh38, 1-based): chr1:236,735,713, C>T. VCF-style: chr1-236735713-C-T. GRCh37 (hg19) VCF-style: chr1-236899013-C-T.
Other names: c.41C>T, p.Ala14Val (NM_001278344.2); c.783+1195C>T (NM_001278343.2); short protein forms A259V, A14V.
Identifiers: ClinVar variation 463217 (VCV000463217.15), dbSNP rs566552494, ClinGen allele CA1472925.